The following is an entry in ClinVar:

NM_003919.3(SGCE):c.1217A>G (p.Tyr406Cys)

Genes: CASD1 (CAS1 domain sialic acid O acetyltransferase 1; plus strand), SGCE (sarcoglycan epsilon; minus strand). Cytogenetic location: 7q21.3.
Variant type: single nucleotide variant.
Coding change: c.1217A>G on transcript NM_003919.3 (MANE Select); coding-DNA position 1217, A replaced by G.
Protein change: p.Tyr406Cys; replaces tyrosine 406 with cysteine.
Molecular consequence: missense variant.
Genome position (GRCh38, 1-based): chr7:94,598,811, T>C on the plus strand (A>G on the coding strand, the complement: SGCE is on the minus strand). VCF-style: chr7-94598811-T-C. GRCh37 (hg19) VCF-style: chr7-94228123-T-C.
Other names: c.1190A>G, p.Tyr397Cys (NM_001099400.2, NM_001346717.2); c.1217A>G, p.Tyr406Cys (NM_001099401.2); c.1094A>G, p.Tyr365Cys (NM_001301139.2); c.1325A>G, p.Tyr442Cys (NM_001346713.2); c.1298A>G, p.Tyr433Cys (NM_001346715.2); c.1130A>G, p.Tyr377Cys (NM_001346719.2); c.944A>G, p.Tyr315Cys (NM_001346720.2); c.1103A>G, p.Tyr368Cys (NM_001362807.2); and 2 more; short protein forms Y365C, Y377C, Y397C, Y315C, Y368C, Y406C, Y442C, Y306C.
Identifiers: ClinVar variation 2895769 (VCV002895769.3), dbSNP rs148660601, ClinGen allele CA4348605.

ClinVar aggregate classification (germline): Uncertain significance (1 of 4 stars; one submission).

Conditions:
Myoclonic dystonia 11 (DYT11). Also called: Myoclonic dystonia; Dystonia 11; Dystonia, alcohol responsive; Hereditary essential myoclonus; SGCE Myoclonus-Dystonia; Myoclonus-Dystonia. Identifiers: Orphanet 36899, MedGen C1834570, MONDO:0008044, OMIM 159900.

Allele frequency attached by ClinVar (database versions not stated): gnomAD exomes below 0.00001; ExAC 0.00001; gnomAD 0.00001; TOPMed 0.00001; ESP Exome Variant Server 0.00008.
gnomAD v4.1: 3 of 1,613,448 alleles (0.00019%); highest among the groups gnomAD compares: Admixed American, 0.0033%; no homozygotes.

Submission:

Labcorp Genetics (formerly Invitae), Labcorp
Classification: Uncertain significance for Myoclonic dystonia 11. Last evaluated: 2023-09-22. Review status: criteria provided, single submitter. Criteria: Invitae Variant Classification Sherloc (09022015). Collection method: clinical testing. Allele origin: germline.
Comment: In summary, the available evidence is currently insufficient to determine the role of this variant in disease. Therefore, it has been classified as a Variant of Uncertain Significance. Advanced modeling of protein sequence and biophysical properties (such as structural, functional, and spatial information, amino acid conservation, physicochemical variation, residue mobility, and thermodynamic stability) performed at Invitae indicates that this missense variant is not expected to disrupt SGCE protein function. This variant has not been reported in the literature in individuals affected with SGCE-related conditions. This variant is present in population databases (rs148660601, gnomAD 0.003%). This sequence change replaces tyrosine, which is neutral and polar, with cysteine, which is neutral and slightly polar, at codon 406 of the SGCE protein (p.Tyr406Cys).